The following is an entry in ClinVar:

ClinVar aggregate classification (germline): Uncertain significance (1 of 4 stars; one submission).

gnomAD v4.1: 3 of 1,535,814 alleles (0.0002%); highest among the groups gnomAD compares: Non-Finnish European, 0.00026%; no homozygotes.

Submission:

Mayo Clinic Laboratories, Mayo Clinic
Classification: Uncertain significance. Last evaluated: 2024-12-05. Review status: criteria provided, single submitter. Criteria: ACMG Guidelines, 2015. Collection method: clinical testing. Allele origin: germline. Observed: 1 variant allele.
Comment: BP4_moderate, PM2_supporting

NM_001278689.2(EOGT):c.1063A>G (p.Ile355Val)

Gene: EOGT (EGF domain specific O-linked N-acetylglucosamine transferase; minus strand). Cytogenetic location: 3p14.1.
Variant type: single nucleotide variant.
Coding change: c.1063A>G on transcript NM_001278689.2 (MANE Select); coding-DNA position 1063, A replaced by G.
Protein change: p.Ile355Val; replaces isoleucine 355 with valine.
Molecular consequence: missense variant. On other transcripts: non-coding transcript variant (1), intron variant (1).
Genome position (GRCh38, 1-based): chr3:68,988,315, T>C on the plus strand (A>G on the coding strand, the complement: EOGT is on the minus strand). VCF-style: chr3-68988315-T-C. GRCh37 (hg19) VCF-style: chr3-69037466-T-C.
Other names: p.Ile355Val; c.832-802A>G (NM_173654.3); short protein forms I355V.
Identifiers: ClinVar variation 4540892 (VCV004540892.1).
Genomic context (GRCh38, chr3:68,988,315, plus strand): 5'-AAACTCAAGCCCACCTCAGAATCCGCAGTGTATCCATTACCTTAGGTCCTTCTTGTGTGA[T>C]GTTTAGTCTGTGTAGTACATGCTGGGCAAATGCCCTGAATAGTCCAGTATTTTGACAGCC-3'
Protein context (NP_001265618.1, residues 345-365): FAQHVLHRLN[Ile355Val]TQEGPKDGKI